The following is an entry in ClinVar:

ClinVar aggregate classification (germline): Uncertain significance (1 of 4 stars; one submission).

gnomAD v4.1: 1 of 1,091,223 alleles (0.000092%); highest among the groups gnomAD compares: Non-Finnish European, 0.00012%; no homozygotes.

Submission:

GeneDx
Classification: Uncertain significance. Last evaluated: 2024-08-29. Review status: criteria provided, single submitter. Criteria: GeneDx Variant Classification Process June 2021. Collection method: clinical testing. Allele origin: germline. Affected: yes.
Comment: Not observed at significant frequency in large population cohorts (gnomAD); In silico analysis indicates that this missense variant does not alter protein structure/function; Has not been previously published as pathogenic or benign to our knowledge

NM_006950.3(SYN1):c.1418G>A (p.Gly473Asp)

Gene: SYN1 (synapsin I; minus strand). Cytogenetic location: Xp11.3.
Variant type: single nucleotide variant.
Coding change: c.1418G>A on transcript NM_006950.3 (MANE Select); coding-DNA position 1418, G replaced by A.
Protein change: p.Gly473Asp; replaces glycine 473 with aspartic acid.
Molecular consequence: missense variant.
Genome position (GRCh38, 1-based): chrX:47,574,566, C>T on the plus strand (G>A on the coding strand, the complement: SYN1 is on the minus strand). VCF-style: chrX-47574566-C-T. GRCh37 (hg19) VCF-style: chrX-47433965-C-T.
Other names: c.1418G>A, p.Gly473Asp (NM_133499.2); short protein forms G473D.
Identifiers: ClinVar variation 3766323 (VCV003766323.1).